The following is an entry in ClinVar:

ClinVar aggregate classification (germline): Benign. Review status: criteria provided, multiple submitters, no conflicts (2 of 4 stars). 2 submissions from 2 submitters: Benign (2). Last evaluated 2018-01-13.

Conditions:
Megalencephalic leukoencephalopathy with subcortical cysts 1 (MLC1). Also called: LEUKOENCEPHALOPATHY WITH SWELLING AND CYSTS; VACUOLATING MEGALENCEPHALIC LEUKOENCEPHALOPATHY WITH SUBCORTICAL CYSTS. Identifiers: Orphanet 2478, MedGen C5779875, MONDO:0024555, OMIM 604004.

Allele frequency attached by ClinVar (database versions not stated): 1000 Genomes Project 30x 0.13429; 1000 Genomes Project 0.13598; TOPMed 0.22188; gnomAD 0.23893 and 0.24216; gnomAD exomes 0.34459.
gnomAD v4.1: 36,414 of 152,362 alleles (24%); highest among the groups gnomAD compares: Non-Finnish European, 33%; 5,402 homozygotes.

Submissions (2):

Illumina Laboratory Services, Illumina
Classification: Benign for Megalencephalic leukoencephalopathy with subcortical cysts 1. Last evaluated: 2018-01-13. Review status: criteria provided, single submitter. Criteria: ICSL Variant Classification Criteria 13 December 2019. Collection method: clinical testing. Allele origin: germline.
Comment: This variant was observed in the ICSL laboratory as part of a predisposition screen in an ostensibly healthy population. It had not been previously curated by ICSL or reported in the Human Gene Mutation Database (HGMD: prior to June 1st, 2018), and was therefore a candidate for classification through an automated scoring system. Utilizing variant allele frequency, disease prevalence and penetrance estimates, and inheritance mode, an automated score was calculated to assess if this variant is too frequent to cause the disease. Based on the score and internal cut-off values, a variant classified as benign is not then subjected to further curation. The score for this variant resulted in a classification of benign for this disease.

Breakthrough Genomics
Classification: Benign. Review status: criteria provided, single submitter. Criteria: ACMG Guidelines, 2015. Collection method: not provided. Allele origin: germline. Inheritance: Autosomal recessive inheritance. Affected: yes.

NM_015166.4(MLC1):c.*1127C>T

Gene: MLC1 (modulator of VRAC current 1; minus strand). Cytogenetic location: 22q13.33.
Variant type: single nucleotide variant.
Coding change: c.*1127C>T on transcript NM_015166.4 (MANE Select); 1127 bases downstream of the stop codon, C replaced by T.
Molecular consequence: 3 prime UTR variant. On other transcripts: intron variant (2).
Genome position (GRCh38, 1-based): chr22:50,060,456, G>A on the plus strand (C>T on the coding strand, the complement: MLC1 is on the minus strand). VCF-style: chr22-50060456-G-A. GRCh37 (hg19) VCF-style: chr22-50498885-G-A.
Other names: c.*1127C>T (NM_001376472.1, NM_001376473.1, NM_001376474.1 and 9 more transcripts); c.*46-304C>T (NM_001376478.1, NM_001376477.1).
Identifiers: ClinVar variation 342086 (VCV000342086.6), dbSNP rs9628320, ClinGen allele CA10654195.
Genomic context (GRCh38, chr22:50,060,456, plus strand): 5'-TGGGCAGTGACCGCCTGGGCTGTACCCTAAGACCCCAAAACAGCGGAGATGGAGAAGACC[G>A]CTGCCCTGGGGCCTTCTCAGTGAGGATCAAGACAAAGTACTTGCTAGGAGGTAGAGGGCG-3'